The following is an entry in ClinVar:

ClinVar aggregate classification (germline): Likely benign. Review status: criteria provided, multiple submitters, no conflicts (2 of 4 stars). 3 submissions from 3 submitters: Likely benign (2). 1 of the submissions does not count toward it. Last evaluated 2026-01-17.

Conditions:
ACSF3-related disorder. Also called: ACSF3-related condition.
Combined malonic and methylmalonic acidemia. Identifiers: Orphanet 289504, MedGen C3280314, MONDO:0013661, OMIM 614265.

Allele frequency attached by ClinVar (database versions not stated): gnomAD 0.00002; TOPMed 0.00004; ExAC 0.00007; ESP Exome Variant Server 0.00038.
gnomAD v4.1: 68 of 1,614,030 alleles (0.0042%); highest among the groups gnomAD compares: South Asian, 0.012%; no homozygotes.

Submissions (3):

Labcorp Genetics (formerly Invitae), Labcorp
Classification: Likely benign for Combined malonic and methylmalonic acidemia. Last evaluated: 2026-01-17. Review status: criteria provided, single submitter. Criteria: Invitae Variant Classification Sherloc (09022015). Collection method: clinical testing. Allele origin: germline.

GeneDx
Classification: Likely benign. Last evaluated: 2017-01-26. Review status: criteria provided, single submitter. Criteria: GeneDx Variant Classification (06012015). Collection method: clinical testing. Allele origin: germline. Affected: yes.
Comment: This variant is considered likely benign or benign based on one or more of the following criteria: it is a conservative change, it occurs at a poorly conserved position in the protein, it is predicted to be benign by multiple in silico algorithms, and/or has population frequency not consistent with disease.

PreventionGenetics, part of Exact Sciences
Classification: Likely benign for ACSF3-related condition. Last evaluated: 2019-07-11. Review status: no assertion criteria provided. Collection method: clinical testing. Allele origin: germline. Not counted in ClinVar's aggregate classification.
Comment: This variant is classified as likely benign based on ACMG/AMP sequence variant interpretation guidelines (Richards et al. 2015 PMID: 25741868, with internal and published modifications).

NM_001243279.3(ACSF3):c.1266G>A (p.Glu422=)

Gene: ACSF3 (acyl-CoA synthetase family member 3; plus strand). Cytogenetic location: 16q24.3.
Variant type: single nucleotide variant.
Coding change: c.1266G>A on transcript NM_001243279.3 (MANE Select); coding-DNA position 1266, G replaced by A.
Protein change: p.Glu422=; no amino-acid change (glutamic acid 422 retained).
Molecular consequence: synonymous variant. On other transcripts: non-coding transcript variant (3).
Genome position (GRCh38, 1-based): chr16:89,133,162, G>A. VCF-style: chr16-89133162-G-A. GRCh37 (hg19) VCF-style: chr16-89199570-G-A.
Other names: c.1266G>A, p.Glu422= (NM_001127214.4, NM_174917.5); c.471G>A, p.Glu157= (NM_001284316.2).
Identifiers: ClinVar variation 507080 (VCV000507080.13), dbSNP rs150322170, ClinGen allele CA8238091.